The following is an entry in ClinVar:

ClinVar aggregate classification (germline): Benign. Review status: criteria provided, multiple submitters, no conflicts (2 of 4 stars). 3 submissions from 3 submitters: Benign (2). 1 of the submissions does not count toward it. Last evaluated 2026-01-24.

Conditions:
CLUAP1-related disorder. Also called: CLUAP1-related condition.

Allele frequency attached by ClinVar (database versions not stated): ESP Exome Variant Server 0.00431; 1000 Genomes Project 0.00459; 1000 Genomes Project 30x 0.00500.
gnomAD v4.1: 1,348 of 1,614,070 alleles (0.084%); highest among the groups gnomAD compares: African/African-American, 1.4%; 13 homozygotes.

Submissions (3):

Labcorp Genetics (formerly Invitae), Labcorp
Classification: Benign. Last evaluated: 2026-01-24. Review status: criteria provided, single submitter. Criteria: Invitae Variant Classification Sherloc (09022015). Collection method: clinical testing. Allele origin: germline.

Breakthrough Genomics
Classification: Benign. Review status: criteria provided, single submitter. Criteria: ACMG Guidelines, 2015. Collection method: not provided. Allele origin: germline. Inheritance: Unknown mechanism. Affected: yes.

PreventionGenetics, part of Exact Sciences
Classification: Benign for CLUAP1-related condition. Last evaluated: 2024-04-22. Review status: no assertion criteria provided. Collection method: clinical testing. Allele origin: germline. Not counted in ClinVar's aggregate classification.
Comment: This variant is classified as benign based on ACMG/AMP sequence variant interpretation guidelines (Richards et al. 2015 PMID: 25741868, with internal and published modifications).

NM_015041.3(CLUAP1):c.1065G>A (p.Thr355=)

Gene: CLUAP1 (clusterin associated protein 1; plus strand). Cytogenetic location: 16p13.3.
Variant type: single nucleotide variant.
Coding change: c.1065G>A on transcript NM_015041.3 (MANE Select); coding-DNA position 1065, G replaced by A.
Protein change: p.Thr355=; no amino-acid change (threonine 355 retained).
Molecular consequence: synonymous variant.
Genome position (GRCh38, 1-based): chr16:3,532,814, G>A. VCF-style: chr16-3532814-G-A. GRCh37 (hg19) VCF-style: chr16-3582814-G-A.
Other names: c.1065G>A, p.Thr355= (NM_001330454.2); c.567G>A, p.Thr189= (NM_024793.3); c.1065G>A (NM_015041.2).
Identifiers: ClinVar variation 1166405 (VCV001166405.11), dbSNP rs34157154, ClinGen allele CA7863981.
Genomic context (GRCh38, chr16:3,532,814, plus strand): 5'-TTATGACTTCTTCATGCTTTTGTTGTTCTCAGGAAGACCTGGCAAACGCATTGTGGGCAC[G>A]ATGCAAGGTGGAGACTCCGATGACAATGTAAGTCCCCCGCTCCCCTCAGTGGTTCTGTGC-3'
Protein context (NP_055856.1, residues 345-365): QGRPGKRIVG[Thr355=]MQGGDSDDNE